The following is an entry in ClinVar:

NM_001563.4(IMPG1):c.534G>T (p.Glu178Asp)

Gene: IMPG1 (interphotoreceptor matrix proteoglycan 1; minus strand). Cytogenetic location: 6q14.1.
Variant type: single nucleotide variant.
Coding change: c.534G>T on transcript NM_001563.4 (MANE Select); coding-DNA position 534, G replaced by T.
Protein change: p.Glu178Asp; replaces glutamic acid 178 with aspartic acid.
Molecular consequence: missense variant.
Genome position (GRCh38, 1-based): chr6:76,025,222, C>A on the plus strand (G>T on the coding strand, the complement: IMPG1 is on the minus strand). VCF-style: chr6-76025222-C-A. GRCh37 (hg19) VCF-style: chr6-76734939-C-A.
Other names: c.534G>T (NM_001563.3); c.300G>T, p.Glu100Asp (NM_001282368.2); short protein forms E100D, E178D.
Identifiers: ClinVar variation 2427977 (VCV002427977.9), dbSNP rs201728664, ClinGen allele CA3898461.
Genomic context (GRCh38, chr6:76,025,222, plus strand): 5'-TTGAGAAGCAAAGAAATTAGATCTAAGCTTACCTGTTGAAATGACAATGGTTTCACCAGG[C>A]TCTCCCAATGTCTTCTCTGCAGATATTTCATCTTTTCTATTAGTACAATAGAAAAGAAGG-3'
Protein context (NP_001554.2, residues 168-188): DEISAEKTLG[Glu178Asp]PGETIVISTD

ClinVar aggregate classification (germline): Conflicting classifications of pathogenicity. Review status: criteria provided, conflicting classifications (1 of 4 stars). 4 submissions from 4 submitters: Uncertain significance (3); Likely benign (1). Last evaluated 2026-04-03.

Conditions:
Retinal dystrophy. Also called: Inherited retinal dystrophy. Identifiers: Orphanet 71862, MedGen C0854723, MeSH D058499, MONDO:0019118, HP:0000556.
IMPG1-related disorder. Also called: IMPG1-related condition.

Allele frequency attached by ClinVar (database versions not stated): gnomAD 0.00001; ExAC 0.00004; TOPMed 0.00004.
gnomAD v4.1: 40 of 1,603,140 alleles (0.0025%); highest among the groups gnomAD compares: Non-Finnish European, 0.0032%; no homozygotes.

Submissions (4):

PreventionGenetics, part of Exact Sciences
Classification: Uncertain significance for IMPG1-related condition. Last evaluated: 2026-04-03. Review status: criteria provided, single submitter. Criteria: ACMG Guidelines, 2015. Collection method: clinical testing. Allele origin: germline.
Comment: The IMPG1 c.534G>T variant is predicted to result in the amino acid substitution p.Glu178Asp. To our knowledge, this variant has not been reported in the literature. This variant is reported in 0.0071% of alleles in individuals of European (Non-Finnish) descent in gnomAD. At this time, the clinical significance of this variant is uncertain due to the absence of conclusive functional and genetic evidence.

Labcorp Genetics (formerly Invitae), Labcorp
Classification: Uncertain significance. Last evaluated: 2025-03-03. Review status: criteria provided, single submitter. Criteria: Invitae Variant Classification Sherloc (09022015). Collection method: clinical testing. Allele origin: germline.
Comment: This sequence change replaces glutamic acid, which is acidic and polar, with aspartic acid, which is acidic and polar, at codon 178 of the IMPG1 protein (p.Glu178Asp). This variant is present in population databases (rs201728664, gnomAD 0.007%). This variant has not been reported in the literature in individuals affected with IMPG1-related conditions. ClinVar contains an entry for this variant (Variation ID: 2427977). An algorithm developed to predict the effect of missense changes on protein structure and function outputs the following: PolyPhen-2: "Benign". The aspartic acid amino acid residue is found in multiple mammalian species, which suggests that this missense change does not adversely affect protein function. In summary, the available evidence is currently insufficient to determine the role of this variant in disease. Therefore, it has been classified as a Variant of Uncertain Significance.

Blueprint Genetics
Classification: Uncertain significance. Last evaluated: 2024-10-02. Review status: criteria provided, single submitter. Criteria: ACMG Guidelines, 2015. Collection method: clinical testing. Allele origin: germline.

Dept Of Ophthalmology, Nagoya University
Classification: Likely benign for Retinal dystrophy. Last evaluated: 2023-10-01. Review status: criteria provided, single submitter. Criteria: Submitter's publication. Collection method: research. Allele origin: germline. Affected: yes.